The following is an entry in ClinVar:

ClinVar aggregate classification (germline): Uncertain significance (1 of 4 stars; one submission).

Conditions:
Cutis laxa, X-linked (OHS). Also called: EDS IX; Occipital horn syndrome. Identifiers: Orphanet 198, MedGen C0268353, MONDO:0010572, OMIM 304150.
X-linked distal spinal muscular atrophy type 3. Also called: ATP7A-Related Distal Motor Neuropathy; SPINAL MUSCULAR ATROPHY, DISTAL, X-LINKED RECESSIVE; NEURONOPATHY, DISTAL HEREDITARY MOTOR, X-LINKED; NEUROPATHY, DISTAL HEREDITARY MOTOR, X-LINKED. Identifiers: Orphanet 139557, MedGen C1845359, MONDO:0010338, OMIM 300489.
Menkes kinky-hair syndrome (MNK). Also called: Classic Menkes Disease; Copper transport disease; Menkes Disease. Identifiers: Orphanet 565, MedGen C0022716, MONDO:0010651, OMIM 309400.

Submission:

Labcorp Genetics (formerly Invitae), Labcorp
Classification: Uncertain significance for X-linked distal spinal muscular atrophy type 3; Cutis laxa, X-linked; Menkes kinky-hair syndrome. Last evaluated: 2025-09-15. Review status: criteria provided, single submitter. Criteria: Invitae Variant Classification Sherloc (09022015). Collection method: clinical testing. Allele origin: germline.
Comment: This sequence change replaces glutamine, which is neutral and polar, with histidine, which is basic and polar, at codon 734 of the ATP7A protein (p.Gln734His). This variant is not present in population databases (gnomAD no frequency). This variant has not been reported in the literature in individuals affected with ATP7A-related conditions. ClinVar contains an entry for this variant (Variation ID: 1500641). Invitae Evidence Modeling of protein sequence and biophysical properties (such as structural, functional, and spatial information, amino acid conservation, physicochemical variation, residue mobility, and thermodynamic stability) indicates that this missense variant is not expected to disrupt ATP7A protein function with a negative predictive value of 95%. In summary, the available evidence is currently insufficient to determine the role of this variant in disease. Therefore, it has been classified as a Variant of Uncertain Significance.

NM_000052.7(ATP7A):c.2202G>C (p.Gln734His)

Gene: ATP7A (ATPase copper transporting alpha; plus strand). Cytogenetic location: Xq21.1.
Variant type: single nucleotide variant.
Coding change: c.2202G>C on transcript NM_000052.7 (MANE Select); coding-DNA position 2202, G replaced by C.
Protein change: p.Gln734His; replaces glutamine 734 with histidine.
Molecular consequence: missense variant. On other transcripts: intron variant (1).
Genome position (GRCh38, 1-based): chrX:78,012,908, G>C. VCF-style: chrX-78012908-G-C. GRCh37 (hg19) VCF-style: chrX-77268405-G-C.
Other names: c.2172+1234G>C (NM_001282224.2); short protein forms Q734H.
Identifiers: ClinVar variation 1500641 (VCV001500641.6), dbSNP rs2149095977, ClinGen allele CA413598658.